The following is an entry in ClinVar:

ClinVar aggregate classification (germline): Uncertain significance. Review status: criteria provided, multiple submitters, no conflicts (2 of 4 stars). 3 submissions from 3 submitters: Uncertain significance (3). Last evaluated 2025-06-16.

Conditions:
Hereditary cancer-predisposing syndrome. Also called: Hereditary neoplastic syndrome; Neoplastic Syndromes, Hereditary; Tumor predisposition; Hereditary Cancer Syndrome. Identifiers: Orphanet 140162, MedGen C0027672, MeSH D009386, MONDO:0015356.
Tuberous sclerosis syndrome (TSC). Also called: Tuberous Sclerosis Complex; Tuberous sclerosis. Identifiers: Orphanet 805, MedGen C0041341, MONDO:0001734.
Tuberous sclerosis 1 (TSC1). Identifiers: Orphanet 805, MedGen C1854465, MONDO:0008612, OMIM 191100.

gnomAD v4.1: 2 of 1,614,218 alleles (0.00012%); highest among the groups gnomAD compares: Non-Finnish European, 0.000085%; no homozygotes.

Submissions (3):

Ambry Genetics
Classification: Uncertain significance for Hereditary cancer-predisposing syndrome. Last evaluated: 2025-06-16. Review status: criteria provided, single submitter. Criteria: Ambry Variant Classification Scheme 2023. Collection method: clinical testing. Allele origin: germline.
Comment: The p.Q654K variant (also known as c.1960C>A), located in coding exon 13 of the TSC1 gene, results from a C to A substitution at nucleotide position 1960. The glutamine at codon 654 is replaced by lysine, an amino acid with similar properties. This amino acid position is not well conserved in available vertebrate species. In addition, the in silico prediction for this alteration is inconclusive. Based on the available evidence, the clinical significance of this variant remains unclear.

Color Diagnostics, LLC DBA Color Health
Classification: Uncertain significance for Tuberous sclerosis syndrome. Last evaluated: 2025-06-03. Review status: criteria provided, single submitter. Criteria: ACMG Guidelines, 2015. Collection method: clinical testing. Allele origin: germline.
Comment: This missense variant replaces glutamine with lysine at codon 654 of the TSC1 protein. Computational prediction is inconclusive regarding the impact of this variant on protein structure and function. To our knowledge, functional studies have not been reported for this variant. This variant has not been reported in individuals affected with TSC1-related disorders in the literature. This variant has not been identified in the general population by the Genome Aggregation Database (gnomAD). The available evidence is insufficient to determine the role of this variant in disease conclusively. Therefore, this variant is classified as a Variant of Uncertain Significance.

Labcorp Genetics (formerly Invitae), Labcorp
Classification: Uncertain significance for Tuberous sclerosis 1. Last evaluated: 2025-03-16. Review status: criteria provided, single submitter. Criteria: Invitae Variant Classification Sherloc (09022015). Collection method: clinical testing. Allele origin: germline.
Comment: This sequence change replaces glutamine, which is neutral and polar, with lysine, which is basic and polar, at codon 654 of the TSC1 protein (p.Gln654Lys). This variant is not present in population databases (gnomAD no frequency). This variant has not been reported in the literature in individuals affected with TSC1-related conditions. ClinVar contains an entry for this variant (Variation ID: 466053). Invitae Evidence Modeling of protein sequence and biophysical properties (such as structural, functional, and spatial information, amino acid conservation, physicochemical variation, residue mobility, and thermodynamic stability) indicates that this missense variant is not expected to disrupt TSC1 protein function with a negative predictive value of 95%. In summary, the available evidence is currently insufficient to determine the role of this variant in disease. Therefore, it has been classified as a Variant of Uncertain Significance.

NM_000368.5(TSC1):c.1960C>A (p.Gln654Lys)

Gene: TSC1 (TSC complex subunit 1; minus strand). Cytogenetic location: 9q34.13.
Variant type: single nucleotide variant.
Coding change: c.1960C>A on transcript NM_000368.5 (MANE Select); coding-DNA position 1960, C replaced by A.
Protein change: p.Gln654Lys; replaces glutamine 654 with lysine.
Molecular consequence: missense variant.
Genome position (GRCh38, 1-based): chr9:132,905,618, G>T on the plus strand (C>A on the coding strand, the complement: TSC1 is on the minus strand). VCF-style: chr9-132905618-G-T. GRCh37 (hg19) VCF-style: chr9-135781005-G-T.
Other names: c.1957C>A, p.Gln653Lys (NM_001162426.2); c.1807C>A, p.Gln603Lys (NM_001162427.2); c.1597C>A, p.Gln533Lys (NM_001362177.2); short protein forms Q654K, Q533K, Q653K, Q603K.
Identifiers: ClinVar variation 466053 (VCV000466053.11), dbSNP rs75820036, ClinGen allele CA375362402.